The following is an entry in ClinVar:

ClinVar aggregate classification (germline): Likely pathogenic. Review status: criteria provided, multiple submitters, no conflicts (2 of 4 stars). 3 submissions from 3 submitters: Likely pathogenic (2). 1 of the submissions does not count toward it. Last evaluated 2025-05-16.

Conditions:
THRB-related disorder. Also called: THRB-related condition.
Thyroid hormone resistance syndrome. Identifiers: MedGen C2940786, MONDO:0001328.

Submissions (3):

Quest Diagnostics Nichols Institute San Juan Capistrano
Classification: Likely pathogenic. Last evaluated: 2025-05-16. Review status: criteria provided, single submitter. Criteria: Quest Diagnostics criteria. Collection method: clinical testing. Allele origin: unknown.
Comment: The THRB c.995G>A (p.Gly332Glu) variant has been reported in the published literature in in individuals and families affected with RTH (PMID: 8040303 (1994), 34556608 (2022)). One functional study showed this variant has reduced T3 binding (PMID: 8040303 (1994)), however, further research is needed. This variant has not been reported in large, multi-ethnic general populations (Genome Aggregation Database). Based on the available information, this variant is classified as likely pathogenic.

Blueprint Genetics
Classification: Likely pathogenic for THRB-related disorders. Last evaluated: 2021-06-30. Review status: criteria provided, single submitter. Criteria: ACMG Guidelines, 2015. Collection method: clinical testing. Allele origin: germline. Affected: yes. Observed: 2 variant alleles.

Cardiovascular Genetics Laboratory, PathWest Laboratory Medicine WA - Fiona Stanley Hospital
Classification: Likely pathogenic for Thyroid hormone resistance syndrome. Last evaluated: 2025-02-20. Review status: no assertion criteria provided. Criteria: ACMG Guidelines, 2015. Collection method: clinical testing. Allele origin: germline. Affected: yes. Not counted in ClinVar's aggregate classification.

Literature cited by the submitters: PubMed 8040303 (cited by Quest Diagnostics Nichols Institute San Juan Capistrano); PubMed 34556608 (cited by Quest Diagnostics Nichols Institute San Juan Capistrano); PubMed 30976996 (cited by Quest Diagnostics Nichols Institute San Juan Capistrano); PubMed 17161330 (cited by Quest Diagnostics Nichols Institute San Juan Capistrano).

NM_001354712.2(THRB):c.995G>A (p.Gly332Glu)

Gene: THRB (thyroid hormone receptor beta; minus strand). Cytogenetic location: 3p24.2.
Variant type: single nucleotide variant.
Coding change: c.995G>A on transcript NM_001354712.2 (MANE Select); coding-DNA position 995, G replaced by A.
Protein change: p.Gly332Glu; replaces glycine 332 with glutamic acid.
Molecular consequence: missense variant. On other transcripts: intron variant (1).
Genome position (GRCh38, 1-based): chr3:24,127,648, C>T on the plus strand (G>A on the coding strand, the complement: THRB is on the minus strand). VCF-style: chr3-24127648-C-T. GRCh37 (hg19) VCF-style: chr3-24169139-C-T.
Other names: c.995G>A, p.Gly332Glu (NM_000461.5, NM_001128176.3, NM_001128177.2 and 11 more transcripts); c.902G>A, p.Gly301Glu (NM_001354714.2, NM_001354715.2); c.973+22G>A (NM_001374827.1); short protein forms G301E, G332E.
Identifiers: ClinVar variation 4532951 (VCV004532951.3).
Genomic context (GRCh38, chr3:24,127,648, plus strand): 5'-GCGTCTGACACCACCCCAAGACCCCCATTTTTCAGCTGGCCCCGTGTCACTGCCATTTCC[C>T]CATTCAAGGTTAAAGTCTCACTTTCTGGGTCATAGCGCACAGCAGCGCGAAGGGACATGA-3'
Protein context (NP_001341641.1, residues 322-342): DPESETLTLN[Gly332Glu]EMAVTRGQLK